The following is an entry in ClinVar:

ClinVar aggregate classification (germline): Uncertain significance (1 of 4 stars; one submission).

Conditions:
Peutz-Jeghers syndrome (PJS). Also called: Periorificial lentiginosis syndrome; POLYPOSIS, HAMARTOMATOUS INTESTINAL; POLYPS-AND-SPOTS SYNDROME; Peutz-Jeghers polyposis. Identifiers: Orphanet 2869, MedGen C0031269, MeSH D010580, MONDO:0008280, OMIM 175200.

Submission:

Labcorp Genetics (formerly Invitae), Labcorp
Classification: Uncertain significance for Peutz-Jeghers syndrome. Last evaluated: 2024-10-03. Review status: criteria provided, single submitter. Criteria: Invitae Variant Classification Sherloc (09022015). Collection method: clinical testing. Allele origin: germline.
Comment: This sequence change replaces arginine, which is basic and polar, with glycine, which is neutral and non-polar, at codon 304 of the STK11 protein (p.Arg304Gly). This variant is not present in population databases (gnomAD no frequency). This variant has not been reported in the literature in individuals affected with STK11-related conditions. Invitae Evidence Modeling of protein sequence and biophysical properties (such as structural, functional, and spatial information, amino acid conservation, physicochemical variation, residue mobility, and thermodynamic stability) has been performed for this missense variant. However, the output from this modeling did not meet the statistical confidence thresholds required to predict the impact of this variant on STK11 protein function. This variant disrupts the p.Arg304 amino acid residue in STK11. Other variant(s) that disrupt this residue have been determined to be pathogenic (PMID: 9809980, 10441497, 12552571, 12865922, 15121768, 16287113, 17404884). This suggests that this residue is clinically significant, and that variants that disrupt this residue are likely to be disease-causing. In summary, the available evidence is currently insufficient to determine the role of this variant in disease. Therefore, it has been classified as a Variant of Uncertain Significance.

Literature cited by the submitters: PubMed 9809980; PubMed 10441497; PubMed 12552571; PubMed 12865922; PubMed 15121768; PubMed 16287113; PubMed 17404884.

NM_000455.5(STK11):c.910C>G (p.Arg304Gly)

Gene: STK11 (serine/threonine kinase 11; plus strand). Cytogenetic location: 19p13.3.
Variant type: single nucleotide variant.
Coding change: c.910C>G on transcript NM_000455.5 (MANE Select); coding-DNA position 910, C replaced by G.
Protein change: p.Arg304Gly; replaces arginine 304 with glycine.
Molecular consequence: missense variant. On other transcripts: non-coding transcript variant (1).
Genome position (GRCh38, 1-based): chr19:1,221,996, C>G. VCF-style: chr19-1221996-C-G. GRCh37 (hg19) VCF-style: chr19-1221995-C-G.
Other names: c.910C>G, p.Arg304Gly (NM_001407255.1); short protein forms R304G.
Identifiers: ClinVar variation 2859361 (VCV002859361.3), dbSNP rs786201090, ClinGen allele CA402951306.